The following is an entry in ClinVar:

NM_033409.4(SLC52A3):c.965A>G (p.Gln322Arg)

Gene: SLC52A3 (solute carrier family 52 member 3; minus strand). Cytogenetic location: 20p13.
Variant type: single nucleotide variant.
Coding change: c.965A>G on transcript NM_033409.4 (MANE Select); coding-DNA position 965, A replaced by G.
Protein change: p.Gln322Arg; replaces glutamine 322 with arginine.
Molecular consequence: missense variant.
Genome position (GRCh38, 1-based): chr20:763,606, T>C on the plus strand (A>G on the coding strand, the complement: SLC52A3 is on the minus strand). VCF-style: chr20-763606-T-C. GRCh37 (hg19) VCF-style: chr20-744250-T-C.
Other names: c.965A>G, p.Gln322Arg (NM_001370085.1, NM_001370086.1); short protein forms Q322R.
Identifiers: ClinVar variation 1002269 (VCV001002269.8), dbSNP rs1986562969, ClinGen allele CA407962735.
Genomic context (GRCh38, chr20:763,606, plus strand): 5'-ATGCTGAGGGTGGCAGCCAGGTGGTAGGCAACTGGCCCATAGGACAGGCAGGAGTAGGTC[T>C]GCACAGAGGGCAGCATGCCGTTGGTGAGCGCGTTGACGAAGGCCACCAGGGTATAGATGA-3'
Protein context (NP_212134.3, residues 312-332): ALTNGMLPSV[Gln322Arg]TYSCLSYGPV

ClinVar aggregate classification (germline): Uncertain significance (1 of 4 stars; one submission).

Conditions:
Brown-Vialetto-van Laere syndrome 1. Also called: BROWN-VIALETTO-VAN LAERE SYNDROME 1, MILD; BULBAR PALSY, PROGRESSIVE, WITH SENSORINEURAL DEAFNESS; PONTOBULBAR PALSY WITH DEAFNESS. Identifiers: Orphanet 572550, Orphanet 97229, MedGen C0796274, MONDO:0024537, OMIM 211530.

Allele frequency attached by ClinVar (database versions not stated): gnomAD exomes below 0.00001.
gnomAD v4.1: 1 of 1,614,182 alleles (0.000062%); highest among the groups gnomAD compares: Non-Finnish European, 0.000085%; no homozygotes.

Submission:

Labcorp Genetics (formerly Invitae), Labcorp
Classification: Uncertain significance for Brown-Vialetto-van Laere syndrome 1. Last evaluated: 2024-04-15. Review status: criteria provided, single submitter. Criteria: Invitae Variant Classification Sherloc (09022015). Collection method: clinical testing. Allele origin: germline.
Comment: This sequence change replaces glutamine, which is neutral and polar, with arginine, which is basic and polar, at codon 322 of the SLC52A3 protein (p.Gln322Arg). This variant is not present in population databases (gnomAD no frequency). This variant has not been reported in the literature in individuals affected with SLC52A3-related conditions. ClinVar contains an entry for this variant (Variation ID: 1002269). Advanced modeling of protein sequence and biophysical properties (such as structural, functional, and spatial information, amino acid conservation, physicochemical variation, residue mobility, and thermodynamic stability) has been performed at Invitae for this missense variant, however the output from this modeling did not meet the statistical confidence thresholds required to predict the impact of this variant on SLC52A3 protein function. In summary, the available evidence is currently insufficient to determine the role of this variant in disease. Therefore, it has been classified as a Variant of Uncertain Significance.